The following is an entry in ClinVar:

NM_001136191.3(KANK2):c.181C>A (p.Arg61Ser)

Gene: KANK2 (KN motif and ankyrin repeat domains 2; minus strand). Cytogenetic location: 19p13.2.
Variant type: single nucleotide variant.
Coding change: c.181C>A on transcript NM_001136191.3 (MANE Select); coding-DNA position 181, C replaced by A.
Protein change: p.Arg61Ser; replaces arginine 61 with serine.
Molecular consequence: missense variant.
Genome position (GRCh38, 1-based): chr19:11,193,899, G>T on the plus strand (C>A on the coding strand, the complement: KANK2 is on the minus strand). VCF-style: chr19-11193899-G-T. GRCh37 (hg19) VCF-style: chr19-11304575-G-T.
Other names: c.181C>A, p.Arg61Ser (NM_001329451.2, NM_001379548.1, NM_001379549.1 and 15 more transcripts); short protein forms R61S.
Identifiers: ClinVar variation 3662570 (VCV003662570.2).
Genomic context (GRCh38, chr19:11,193,899, plus strand): 5'-ACCAGGAGCCAGGGCCACGGGGCAGCGAGCTCAGGCGGGGGCGGCGCTGCACTGCCACGC[G>T]TCGCAGCGTGTGGCCCTTCTCGATGTCATCCACGTACTTGAGGAAGTCCAGGTCCAGGCG-3'
Protein context (NP_001129663.1, residues 51-71): DDIEKGHTLR[Arg61Ser]VAVQRRPRLS

ClinVar aggregate classification (germline): Uncertain significance (1 of 4 stars; one submission).

gnomAD v4.1: 2 of 1,613,666 alleles (0.00012%); highest among the groups gnomAD compares: African/African-American, 0.0027%; no homozygotes.

Submission:

Labcorp Genetics (formerly Invitae), Labcorp
Classification: Uncertain significance. Last evaluated: 2025-03-04. Review status: criteria provided, single submitter. Criteria: Invitae Variant Classification Sherloc (09022015). Collection method: clinical testing. Allele origin: germline.
Comment: This sequence change replaces arginine, which is basic and polar, with serine, which is neutral and polar, at codon 61 of the KANK2 protein (p.Arg61Ser). This variant is not present in population databases (gnomAD no frequency). This variant has not been reported in the literature in individuals affected with KANK2-related conditions. An algorithm developed to predict the effect of missense changes on protein structure and function (PolyPhen-2) suggests that this variant is likely to be disruptive. In summary, the available evidence is currently insufficient to determine the role of this variant in disease. Therefore, it has been classified as a Variant of Uncertain Significance.